The following is an entry in ClinVar:

ClinVar aggregate classification (germline): Benign/Likely benign. Review status: criteria provided, multiple submitters, no conflicts (2 of 4 stars). 4 submissions from 4 submitters: Benign (1); Likely benign (3). Last evaluated 2024-10-16.

Conditions:
Hereditary cancer-predisposing syndrome. Also called: Hereditary Cancer Syndrome; Tumor predisposition; Neoplastic Syndromes, Hereditary; Hereditary neoplastic syndrome. Identifiers: Orphanet 140162, MedGen C0027672, MeSH D009386, MONDO:0015356.
Familial cancer of breast. Also called: BREAST CANCER, FAMILIAL; Hereditary breast cancer; hereditary breast carcinoma. Identifiers: Orphanet 227535, MedGen C0346153, MONDO:0016419, OMIM 114480. Disease mechanism: loss of function.
Ataxia-telangiectasia syndrome (AT). Also called: Cerebello-oculocutaneous telangiectasia; Immunodeficiency with ataxia telangiectasia; AT, COMPLEMENTATION GROUP C; Ataxia-telangiectasia, complementation group D; LOUIS-BAR SYNDROME; Ataxia-telangiectasia, complementation group E. Identifiers: Orphanet 100, MedGen C0004135, MONDO:0008840, OMIM 208900.

Allele frequency attached by ClinVar (database versions not stated): gnomAD exomes below 0.00001.
gnomAD v4.1: 2 of 1,614,030 alleles (0.00012%); highest among the groups gnomAD compares: Non-Finnish European, 0.00017%; no homozygotes.

Submissions (4):

Labcorp Genetics (formerly Invitae), Labcorp
Classification: Likely benign for Ataxia-telangiectasia syndrome. Last evaluated: 2024-10-16. Review status: criteria provided, single submitter. Criteria: Invitae Variant Classification Sherloc (09022015). Collection method: clinical testing. Allele origin: germline.

Myriad Genetics, Inc.
Classification: Benign for Familial cancer of breast. Last evaluated: 2024-05-23. Review status: criteria provided, single submitter. Criteria: Myriad Autosomal Dominant, Autosomal Recessive and X-Linked Classification Criteria (2023). Collection method: clinical testing. Allele origin: unknown.
Comment: This variant is considered benign. This variant is a silent/synonymous amino acid change and it is not expected to impact splicing.

Ambry Genetics
Classification: Likely benign for Hereditary cancer-predisposing syndrome. Last evaluated: 2019-08-09. Review status: criteria provided, single submitter. Criteria: Ambry Variant Classification Scheme 2023. Collection method: clinical testing. Allele origin: germline.

GeneDx
Classification: Likely benign. Last evaluated: 2017-04-28. Review status: criteria provided, single submitter. Criteria: GeneDx Variant Classification (06012015). Collection method: clinical testing. Allele origin: germline. Affected: yes.
Comment: This variant is considered likely benign or benign based on one or more of the following criteria: it is a conservative change, it occurs at a poorly conserved position in the protein, it is predicted to be benign by multiple in silico algorithms, and/or has population frequency not consistent with disease.

NM_000051.4(ATM):c.5571A>G (p.Ser1857=)

Gene: ATM (ATM serine/threonine kinase; plus strand). Cytogenetic location: 11q22.3.
Variant type: single nucleotide variant.
Coding change: c.5571A>G on transcript NM_000051.4 (MANE Select); coding-DNA position 5571, A replaced by G.
Protein change: p.Ser1857=; no amino-acid change (serine 1857 retained).
Molecular consequence: synonymous variant.
Genome position (GRCh38, 1-based): chr11:108,304,749, A>G. VCF-style: chr11-108304749-A-G. GRCh37 (hg19) VCF-style: chr11-108175476-A-G.
Other names: c.5571A>G, p.Ser1857= (NM_001351834.2).
Identifiers: ClinVar variation 509309 (VCV000509309.15), dbSNP rs777570286, ClinGen allele CA476675143.